The following is an entry in ClinVar:

NM_001166114.2(PNPLA6):c.2385C>T (p.His795=)

Gene: PNPLA6 (patatin like domain 6, lysophospholipase; plus strand). Cytogenetic location: 19p13.2.
Variant type: single nucleotide variant.
Coding change: c.2385C>T on transcript NM_001166114.2 (MANE Select); coding-DNA position 2385, C replaced by T.
Protein change: p.His795=; no amino-acid change (histidine 795 retained).
Molecular consequence: synonymous variant.
Genome position (GRCh38, 1-based): chr19:7,553,999, C>T. VCF-style: chr19-7553999-C-T. GRCh37 (hg19) VCF-style: chr19-7618885-C-T.
Other names: p.His757=; c.2415C>T, p.His805= (NM_001166111.2); c.2190C>T, p.His730= (NM_001166112.2); c.2271C>T, p.His757= (NM_001166113.1, NM_006702.5).
Identifiers: ClinVar variation 508355 (VCV000508355.18), dbSNP rs143914980, ClinGen allele CA9140069.

ClinVar aggregate classification (germline): Benign/Likely benign. Review status: criteria provided, multiple submitters, no conflicts (2 of 4 stars). 6 submissions from 6 submitters: Benign (2); Likely benign (4). Last evaluated 2025-12-20.

Conditions:
Hereditary spastic paraplegia 39 (SPG39). Also called: SPASTIC PARAPLEGIA 39, AUTOSOMAL RECESSIVE; Spastic Paraplegia Type 39 (SPG39). Identifiers: Orphanet 139480, MedGen C2677586, MONDO:0012787, OMIM 612020.
Hereditary spastic paraplegia. Also called: Familial spastic paraparesis. Identifiers: Orphanet 685, MedGen C0037773, MONDO:0019064. Disease mechanism: loss of function.

Allele frequency attached by ClinVar (database versions not stated): 1000 Genomes Project 30x 0.00031; gnomAD exomes 0.00032; ExAC 0.00037; 1000 Genomes Project 0.00040; ESP Exome Variant Server 0.00115; gnomAD 0.00125 and 0.00136; TOPMed 0.00142.
gnomAD v4.1: 356 of 1,611,948 alleles (0.022%); highest among the groups gnomAD compares: African/African-American, 0.4%; 1 homozygote.

Submissions (6):

Labcorp Genetics (formerly Invitae), Labcorp
Classification: Benign for Hereditary spastic paraplegia 39. Last evaluated: 2025-12-20. Review status: criteria provided, single submitter. Criteria: Invitae Variant Classification Sherloc (09022015). Collection method: clinical testing. Allele origin: germline.

Mayo Clinic Laboratories, Mayo Clinic
Classification: Likely benign. Last evaluated: 2025-07-21. Review status: criteria provided, single submitter. Criteria: ACMG Guidelines, 2015. Collection method: clinical testing. Allele origin: germline. Observed: 1 variant allele.
Comment: BP4, BP7

Blueprint Genetics
Classification: Likely benign. Last evaluated: 2023-12-13. Review status: criteria provided, single submitter. Criteria: ACMG Guidelines, 2015. Collection method: clinical testing. Allele origin: germline.

Genome Diagnostics Laboratory, The Hospital for Sick Children
Classification: Likely benign for Hereditary spastic paraplegia. Last evaluated: 2021-11-02. Review status: criteria provided, single submitter. Criteria: ACMG Guidelines, 2015. Collection method: clinical testing. Allele origin: germline. Affected: yes.

Athena Diagnostics
Classification: Benign. Last evaluated: 2019-01-29. Review status: criteria provided, single submitter. Criteria: Athena Diagnostics Criteria. Collection method: clinical testing. Allele origin: germline.

GeneDx
Classification: Likely benign. Last evaluated: 2017-03-27. Review status: criteria provided, single submitter. Criteria: GeneDx Variant Classification (06012015). Collection method: clinical testing. Allele origin: germline. Affected: yes.
Comment: This variant is considered likely benign or benign based on one or more of the following criteria: it is a conservative change, it occurs at a poorly conserved position in the protein, it is predicted to be benign by multiple in silico algorithms, and/or has population frequency not consistent with disease.